The following is an entry in ClinVar:

ClinVar aggregate classification (germline): Pathogenic (1 of 4 stars; one submission).

Conditions:
Anemia, nonspherocytic hemolytic, due to G6PD deficiency (CNSHA1). Also called: Hemolytic anemia due to G6PD deficiency; Class I glucose-6-phosphate dehydrogenase deficiency; Favism, susceptibility to; ANEMIA, CONGENITAL, NONSPHEROCYTIC HEMOLYTIC, 1. Identifiers: Orphanet 466026, MedGen C2720289, MONDO:0010480, OMIM 300908.

Submission:

Dunham Lab, University of Washington
Classification: Pathogenic for Anemia, nonspherocytic hemolytic, due to G6PD deficiency. Last evaluated: 2022-08-12. Review status: criteria provided, single submitter. Criteria: Bayesian ACMG Guidelines, 2018. Collection method: curation. Allele origin: unknown. Affected: yes.
Comment: Variant found in hemizygotes with deficiency and CNSHA, including two brothers (PP1, PP4). Decreased activity in red blood cells (PS3). Leads to deletion of one amino acid (PM4). Not found in gnomAD (PM2). Not found in gnomAD (PM2). Post_P 0.994 (odds of pathogenicity 1517, Prior_P 0.1).

Literature cited by the submitters: PubMed 3360447; PubMed 7849299.

NM_001360016.2(G6PD):c.562TCC[1] (p.Ser189del)

Gene: G6PD (glucose-6-phosphate dehydrogenase; minus strand). Cytogenetic location: Xq28.
Variant type: Microsatellite.
Coding change: c.562TCC[1] on transcript NM_001360016.2 (MANE Select); one copy of the 3-base unit TCC starting at c.562; the reference has two copies in a row; one copy, 3 bases deleted.
Protein change: p.Ser189del; deletes serine 189.
Molecular consequence: inframe deletion.
Genome position (GRCh38, 1-based): chrX:154,534,415-154,534,417, GGA deleted on the plus strand (TCC on the coding strand, the reverse complement: G6PD is on the minus strand); deleting any 3 consecutive bases within chrX:154,534,415-154,534,421 gives the same sequence; the position shown is the placement nearest the transcript's 3' end. VCF-style (leftmost placement, unchanged base first): chrX-154534414-GGGA-G. GRCh37 (hg19) VCF-style: chrX-153762629-GGGA-G.
Other names: G6PD Tsukui; c.652TCC[1], p.Ser219del (NM_000402.4); c.562TCC[1], p.Ser189del (NM_001042351.3); short protein forms S189del, S219del.
Identifiers: ClinVar variation 1722658 (VCV001722658.2), dbSNP rs2523268094, ClinGen allele CA2580612322.